The following is an entry in ClinVar:

NM_000137.4(FAH):c.837G>A (p.Gln279=)

Gene: FAH (fumarylacetoacetate hydrolase; plus strand). Cytogenetic location: 15q25.1.
Variant type: single nucleotide variant.
Coding change: c.837G>A on transcript NM_000137.4 (MANE Select); coding-DNA position 837, G replaced by A.
Protein change: p.Gln279=; no amino-acid change (glutamine 279 retained).
Molecular consequence: synonymous variant.
Genome position (GRCh38, 1-based): chr15:80,173,144, G>A. VCF-style: chr15-80173144-G-A. GRCh37 (hg19) VCF-style: chr15-80465486-G-A.
Other names: c.837G>A, p.Gln279= (NM_001374377.1, NM_001374380.1); c.837G>A (NM_000137.2).
Identifiers: ClinVar variation 2196396 (VCV002196396.3), dbSNP rs375834291, ClinGen allele CA7691349.

ClinVar aggregate classification (germline): Uncertain significance. Review status: criteria provided, single submitter (1 of 4 stars). 2 submissions from 2 submitters: Uncertain significance (1). 1 of the submissions does not count toward it. Last evaluated 2022-03-04.

Conditions:
FAH-related disorder. Also called: FAH-related condition.
Tyrosinemia type I (TYRSN1). Also called: Tyrosinemia type 1; Fumarylacetoacetase deficiency; Deficiency of fumarylacetoacetase; FAH DEFICIENCY; HEPATORENAL TYROSINEMIA. Identifiers: Orphanet 882, MedGen C0268490, MONDO:0010161, OMIM 276700. Disease mechanism: loss of function.

Allele frequency attached by ClinVar (database versions not stated): TOPMed below 0.00001; ExAC 0.00001; ESP Exome Variant Server 0.00008.
gnomAD v4.1: 1 of 1,614,210 alleles (0.000062%); no homozygotes.

Submissions (2):

Labcorp Genetics (formerly Invitae), Labcorp
Classification: Uncertain significance for Tyrosinemia type I. Last evaluated: 2022-03-04. Review status: criteria provided, single submitter. Criteria: Invitae Variant Classification Sherloc (09022015). Collection method: clinical testing. Allele origin: germline.
Comment: This sequence change replaces glutamine, which is neutral and polar, with glutamine, which is neutral and polar, at codon 279 of the FAH protein (Silent). This variant also falls at the last nucleotide of exon 9, which is part of the consensus splice site for this exon. This variant is not present in population databases (gnomAD no frequency). This variant has not been reported in the literature in individuals affected with FAH-related conditions. Variants that disrupt the consensus splice site are a relatively common cause of aberrant splicing (PMID: 17576681, 9536098). Algorithms developed to predict the effect of sequence changes on RNA splicing suggest that this variant is not likely to affect RNA splicing. In summary, the available evidence is currently insufficient to determine the role of this variant in disease. Therefore, it has been classified as a Variant of Uncertain Significance.

PreventionGenetics, part of Exact Sciences
Classification: Likely benign for FAH-related condition. Last evaluated: 2021-12-03. Review status: no assertion criteria provided. Collection method: clinical testing. Allele origin: germline. Not counted in ClinVar's aggregate classification.
Comment: This variant is classified as likely benign based on ACMG/AMP sequence variant interpretation guidelines (Richards et al. 2015 PMID: 25741868, with internal and published modifications).

Literature cited by the submitters: PubMed 17576681 (cited by Labcorp Genetics (formerly Invitae), Labcorp); PubMed 9536098 (cited by Labcorp Genetics (formerly Invitae), Labcorp).